The following is an entry in ClinVar:

ClinVar aggregate classification (germline): Pathogenic (1 of 4 stars; one submission).

Conditions:
Rubinstein-Taybi syndrome (RSTS). Identifiers: Orphanet 783, MedGen C0035934, MONDO:0019188.

Submission:

Labcorp Genetics (formerly Invitae), Labcorp
Classification: Pathogenic for Rubinstein-Taybi syndrome. Last evaluated: 2018-09-06. Review status: criteria provided, single submitter. Criteria: Invitae Variant Classification Sherloc (09022015). Collection method: clinical testing. Allele origin: germline.
Comment: For these reasons, this variant has been classified as Pathogenic. Loss-of-function variants in CREBBP are known to be pathogenic (PMID: 17052327, 18792986). This variant has not been reported in the literature in individuals with CREBBP-related disease. This variant is not present in population databases (ExAC no frequency). This sequence change creates a premature translational stop signal (p.Ala619Glyfs*16) in the CREBBP gene. It is expected to result in an absent or disrupted protein product.

Literature cited by the submitters: PubMed 17052327; PubMed 18792986.

NM_004380.3(CREBBP):c.1855dup (p.Ala619fs)

Gene: CREBBP (CREB binding lysine acetyltransferase; minus strand). Cytogenetic location: 16p13.3.
Variant type: Duplication.
Coding change: c.1855dup on transcript NM_004380.3 (MANE Select); coding-DNA position 1855, one base duplicated (G; older notation c.1855dupG).
Protein change: p.Ala619fs; shifts the reading frame from alanine 619.
Molecular consequence: frameshift variant.
Genome position (GRCh38, 1-based): chr16:3,778,786, C duplicated on the plus strand (G on the coding strand, the reverse complement: CREBBP is on the minus strand). VCF-style (leftmost placement, unchanged base first): chr16-3778785-G-GC. GRCh37 (hg19) VCF-style: chr16-3828786-G-GC.
Other names: c.1741dup, p.Ala581fs (NM_001079846.1); c.1855dupG (NM_004380.2); short protein forms A581fs, A619fs.
Identifiers: ClinVar variation 658697 (VCV000658697.6), dbSNP rs1596909915, ClinGen allele CA915949102.